The following is an entry in ClinVar:

NM_005908.4(MANBA):c.674-2A>G

Gene: MANBA (mannosidase beta; minus strand). Cytogenetic location: 4q24.
Variant type: single nucleotide variant.
Coding change: c.674-2A>G on transcript NM_005908.4 (MANE Select); the canonical splice acceptor site of the intron before coding-DNA position 674, A replaced by G.
Molecular consequence: splice acceptor variant.
Genome position (GRCh38, 1-based): chr4:102,690,773, T>C on the plus strand (A>G on the coding strand, the complement: MANBA is on the minus strand). VCF-style: chr4-102690773-T-C. GRCh37 (hg19) VCF-style: chr4-103611930-T-C.
Identifiers: ClinVar variation 2954927 (VCV002954927.3), dbSNP rs1312379571, ClinGen allele CA357770379.

ClinVar aggregate classification (germline): Likely pathogenic (1 of 4 stars; one submission).

Conditions:
Beta-D-mannosidosis (MANSB). Also called: MANNOSIDOSIS, BETA A, LYSOSOMAL; BETA-MANNOSIDASE DEFICIENCY; LYSOSOMAL BETA-MANNOSIDASE DEFICIENCY; Beta-Mannosidosis. Identifiers: Orphanet 118, MedGen C4048196, MONDO:0009562, OMIM 248510.

gnomAD v4.1: 9 of 1,381,194 alleles (0.00065%); highest among the groups gnomAD compares: Non-Finnish European, 0.00069%; no homozygotes.

Submission:

Labcorp Genetics (formerly Invitae), Labcorp
Classification: Likely pathogenic for Beta-D-mannosidosis. Last evaluated: 2023-05-26. Review status: criteria provided, single submitter. Criteria: Invitae Variant Classification Sherloc (09022015). Collection method: clinical testing. Allele origin: germline.
Comment: Algorithms developed to predict the effect of sequence changes on RNA splicing suggest that this variant may disrupt the consensus splice site. In summary, the currently available evidence indicates that the variant is pathogenic, but additional data are needed to prove that conclusively. Therefore, this variant has been classified as Likely Pathogenic. This variant has not been reported in the literature in individuals affected with MANBA-related conditions. This sequence change affects an acceptor splice site in intron 5 of the MANBA gene. It is expected to disrupt RNA splicing. Variants that disrupt the donor or acceptor splice site typically lead to a loss of protein function (PMID: 16199547), and loss-of-function variants in MANBA are known to be pathogenic (PMID: 9384606, 12468273). The frequency data for this variant in the population databases is considered unreliable, as metrics indicate poor data quality at this position in the gnomAD database.

Literature cited by the submitters: PubMed 16199547; PubMed 9384606; PubMed 12468273.